The following is an entry in ClinVar:

NM_001330588.2(TPP2):c.2344G>A (p.Glu782Lys)

Gene: TPP2 (tripeptidyl peptidase 2; plus strand). Cytogenetic location: 13q33.1.
Variant type: single nucleotide variant.
Coding change: c.2344G>A on transcript NM_001330588.2 (MANE Select); coding-DNA position 2344, G replaced by A.
Protein change: p.Glu782Lys; replaces glutamic acid 782 with lysine.
Molecular consequence: missense variant. On other transcripts: non-coding transcript variant (1).
Genome position (GRCh38, 1-based): chr13:102,644,960, G>A. VCF-style: chr13-102644960-G-A. GRCh37 (hg19) VCF-style: chr13-103297310-G-A.
Other names: c.2344G>A, p.Glu782Lys (NM_001367947.1, NM_003291.4); short protein forms E782K.
Identifiers: ClinVar variation 4772241 (VCV004772241.1).

ClinVar aggregate classification (germline): Uncertain significance (1 of 4 stars; one submission).

Conditions:
Evans syndrome, immunodeficiency, and premature immunosenescence associated with tripeptidyl-peptidase II deficiency. Identifiers: MedGen CN231723. Disease mechanism: loss of function.

gnomAD v4.1: 1 of 1,614,030 alleles (0.000062%); no homozygotes.

Submission:

Labcorp Genetics (formerly Invitae), Labcorp
Classification: Uncertain significance for Evans syndrome, immunodeficiency, and premature immunosenescence associated with tripeptidyl-peptidase II deficiency. Last evaluated: 2025-12-01. Review status: criteria provided, single submitter. Criteria: Invitae Variant Classification Sherloc (09022015). Collection method: clinical testing. Allele origin: germline.
Comment: This sequence change replaces glutamic acid, which is acidic and polar, with lysine, which is basic and polar, at codon 782 of the TPP2 protein (p.Glu782Lys). This variant is not present in population databases (gnomAD no frequency). This variant has not been reported in the literature in individuals affected with TPP2-related conditions. An algorithm developed to predict the effect of missense changes on protein structure and function (PolyPhen-2) suggests that this variant is likely to be disruptive. Algorithms developed to predict the effect of sequence changes on RNA splicing suggest that this variant may disrupt the consensus splice site. In summary, the available evidence is currently insufficient to determine the role of this variant in disease. Therefore, it has been classified as a Variant of Uncertain Significance.